The following is an entry in ClinVar:

NM_000088.4(COL1A1):c.3423A>C (p.Arg1141=)

Gene: COL1A1 (collagen type I alpha 1 chain; minus strand). Cytogenetic location: 17q21.33.
Variant type: single nucleotide variant.
Coding change: c.3423A>C on transcript NM_000088.4 (MANE Select); coding-DNA position 3423, A replaced by C.
Protein change: p.Arg1141=; no amino-acid change (arginine 1141 retained).
Molecular consequence: synonymous variant.
Genome position (GRCh38, 1-based): chr17:50,187,484, T>G on the plus strand (A>C on the coding strand, the complement: COL1A1 is on the minus strand). VCF-style: chr17-50187484-T-G. GRCh37 (hg19) VCF-style: chr17-48264845-T-G.
Other names: p.Arg1141=.
Identifiers: ClinVar variation 456770 (VCV000456770.24), dbSNP rs148737409, ClinGen allele CA8644454.

ClinVar aggregate classification (germline): Conflicting classifications of pathogenicity. Review status: criteria provided, conflicting classifications (1 of 4 stars). 9 submissions from 7 submitters: Uncertain significance (1); Benign (4); Likely benign (4). Last evaluated 2026-01-07.

Conditions:
Cardiovascular phenotype. Identifiers: MedGen CN230736.
Ehlers-Danlos syndrome (EDS). Identifiers: Orphanet 98249, MedGen C0013720, MONDO:0020066.
Ehlers-Danlos syndrome, arthrochalasia type. Also called: Ehlers-Danlos syndrome, arthrochalasia type, 1; Ehlers-Danlos syndrome, arthrochalasis type; ARTHROCHALASIS MULTIPLEX CONGENITA; EDS VII, MUTANT PROCOLLAGEN TYPE; EDS VIIA. Identifiers: Orphanet 1899, Orphanet 99875, Orphanet 99876, MedGen C4551623, MONDO:0007525, OMIM 130060.
Osteogenesis imperfecta type I (OI1). Also called: Lobstein's Disease; Classic Non-deforming Osteogenesis Imperfecta with Blue Sclerae; Osteogenesis imperfecta type 1; OI, TYPE I; OSTEOGENESIS IMPERFECTA TARDA; OSTEOGENESIS IMPERFECTA WITH BLUE SCLERAE. Identifiers: Orphanet 216796, Orphanet 666, MedGen C0023931, MONDO:0008146, OMIM 166200. Disease mechanism: loss of function.
Infantile cortical hyperostosis. Also called: Caffey Disease; P1PK BLOOD GROUP SYSTEM, P(2) PHENOTYPE; Hyperostosis, Cortical, Congenital. Identifiers: Orphanet 1310, MedGen C0020497, MONDO:0007244, OMIM 114000.
Osteogenesis imperfecta (OI). Identifiers: Orphanet 666, MedGen C0029434, MeSH D010013, MONDO:0019019.

Allele frequency attached by ClinVar (database versions not stated): gnomAD exomes 0.00005 and 0.00015; 1000 Genomes Project 30x 0.00016; ExAC 0.00017; 1000 Genomes Project 0.00020; gnomAD 0.00053 and 0.00054; ESP Exome Variant Server 0.00054; TOPMed 0.00058.
gnomAD v4.1: 169 of 1,613,874 alleles (0.01%); highest among the groups gnomAD compares: African/African-American, 0.17%; no homozygotes.

Submissions (9):

Labcorp Genetics (formerly Invitae), Labcorp
Classification: Likely benign for Osteogenesis imperfecta type I. Last evaluated: 2026-01-07. Review status: criteria provided, single submitter. Criteria: Invitae Variant Classification Sherloc (09022015). Collection method: clinical testing. Allele origin: germline.

Women's Health and Genetics/Laboratory Corporation of America, LabCorp
Classification: Benign. Last evaluated: 2025-05-14. Review status: criteria provided, single submitter. Criteria: LabCorp Variant Classification Summary - May 2015. Collection method: clinical testing. Allele origin: germline.

Mayo Clinic Laboratories, Mayo Clinic
Classification: Likely benign. Last evaluated: 2024-12-03. Review status: criteria provided, single submitter. Criteria: ACMG Guidelines, 2015. Collection method: clinical testing. Allele origin: germline. Observed: 1 variant allele.
Comment: BS1, BP4, BP7

Blueprint Genetics
Classification: Likely benign. Last evaluated: 2024-09-23. Review status: criteria provided, single submitter. Criteria: ACMG Guidelines, 2015. Collection method: clinical testing. Allele origin: germline.

Ambry Genetics
Classification: Benign for Cardiovascular phenotype. Last evaluated: 2021-01-05. Review status: criteria provided, single submitter. Criteria: Ambry Variant Classification Scheme 2023. Collection method: clinical testing. Allele origin: germline.

Genome Diagnostics Laboratory, The Hospital for Sick Children
Classification: Likely benign for Ehlers-Danlos syndrome. Last evaluated: 2020-06-01. Review status: criteria provided, single submitter. Criteria: ACMG Guidelines, 2015. Collection method: clinical testing. Allele origin: germline.

Illumina Laboratory Services, Illumina
Classification: Benign for Osteogenesis imperfecta. Last evaluated: 2017-04-28. Review status: criteria provided, single submitter. Criteria: ICSL Variant Classification Criteria 13 December 2019. Collection method: clinical testing. Allele origin: germline.
Comment: This variant was observed as part of a predisposition screen in an ostensibly healthy population. A literature search was performed for the gene, cDNA change, and amino acid change (where applicable). No publications were found based on this search. Allele frequency data from public databases was too high to be consistent with this variant causing disease. Therefore, this variant is classified as benign.

Illumina Laboratory Services, Illumina
Classification: Uncertain significance for Infantile cortical hyperostosis. Last evaluated: 2017-04-28. Review status: criteria provided, single submitter. Criteria: ICSL Variant Classification Criteria 13 December 2019. Collection method: clinical testing. Allele origin: germline.

Illumina Laboratory Services, Illumina
Classification: Benign for Ehlers-Danlos syndrome, arthrochalasia type. Last evaluated: 2017-04-28. Review status: criteria provided, single submitter. Criteria: ICSL Variant Classification Criteria 13 December 2019. Collection method: clinical testing. Allele origin: germline.
Comment: the same text as in the submission from Illumina Laboratory Services, Illumina above.